The following is an entry in ClinVar:

NM_005476.7(GNE):c.1409T>C (p.Val470Ala)

Gene: GNE (glucosamine (UDP-N-acetyl)-2-epimerase/N-acetylmannosamine kinase; minus strand). Cytogenetic location: 9p13.3.
Variant type: single nucleotide variant.
Coding change: c.1409T>C on transcript NM_005476.7 (MANE Select); coding-DNA position 1409, T replaced by C.
Protein change: p.Val470Ala; replaces valine 470 with alanine.
Molecular consequence: missense variant.
Genome position (GRCh38, 1-based): chr9:36,223,375, A>G on the plus strand (T>C on the coding strand, the complement: GNE is on the minus strand). VCF-style: chr9-36223375-A-G. GRCh37 (hg19) VCF-style: chr9-36223372-A-G.
Other names: c.1079T>C, p.Val360Ala (NM_001190384.3); c.1232T>C, p.Val411Ala (NM_001190388.2, NM_001374798.1); c.1256T>C, p.Val419Ala (NM_001374797.1); c.1502T>C, p.Val501Ala (NM_001128227.3); c.1409T>C, p.Val470Ala (NM_001190383.3); short protein forms V411A, V419A, V360A, V470A, V501A.
Identifiers: ClinVar variation 4264657 (VCV004264657.2).

ClinVar aggregate classification (germline): Uncertain significance. Review status: criteria provided, multiple submitters, no conflicts (2 of 4 stars). 2 submissions from 2 submitters: Uncertain significance (2). Last evaluated 2025-12-06.

Conditions:
Inborn genetic diseases. Identifiers: MedGen C0950123, MeSH D030342.
Sialuria. Also called: SIALURIA, FRENCH TYPE; Sialic Acid Storage Disease. Identifiers: Orphanet 3166, MedGen C0342853, MONDO:0010028, OMIM 269921.
GNE myopathy (NM). Also called: INCLUSION BODY MYOPATHY, HEREDITARY, AUTOSOMAL RECESSIVE; INCLUSION BODY MYOPATHY 2, AUTOSOMAL RECESSIVE; MYOPATHY, DISTAL, WITH OR WITHOUT RIMMED VACUOLES; NONAKA DISTAL MYOPATHY; IBM 2; Inclusion body myopathy autosomal recessive. Identifiers: Orphanet 602, MedGen C1853926, MONDO:0011603, OMIM 605820.

gnomAD v4.1: 4 of 1,612,328 alleles (0.00025%); highest among the groups gnomAD compares: African/African-American, 0.0013%; no homozygotes.

Submissions (2):

Labcorp Genetics (formerly Invitae), Labcorp
Classification: Uncertain significance for Sialuria; GNE myopathy. Last evaluated: 2025-12-06. Review status: criteria provided, single submitter. Criteria: Invitae Variant Classification Sherloc (09022015). Collection method: clinical testing. Allele origin: germline.
Comment: This sequence change replaces valine, which is neutral and non-polar, with alanine, which is neutral and non-polar, at codon 501 of the GNE protein (p.Val501Ala). This variant is present in population databases (no rsID available, gnomAD 0.01%). This variant has not been reported in the literature in individuals affected with GNE-related conditions. ClinVar contains an entry for this variant (Variation ID: 4264657). An algorithm developed to predict the effect of missense changes on protein structure and function (PolyPhen-2) suggests that this variant is likely to be disruptive. In summary, the available evidence is currently insufficient to determine the role of this variant in disease. Therefore, it has been classified as a Variant of Uncertain Significance.

Ambry Genetics
Classification: Uncertain significance for Inborn genetic diseases. Last evaluated: 2025-08-25. Review status: criteria provided, single submitter. Criteria: Ambry Variant Classification Scheme 2023. Collection method: clinical testing. Allele origin: germline.